The following is an entry in ClinVar:

ClinVar aggregate classification (germline): Uncertain significance (1 of 4 stars; one submission).

Conditions:
Pityriasis rubra pilaris (PRP). Also called: Pityriasis rubra pilaris--familial type. Identifiers: Orphanet 2897, MedGen C0032027, MONDO:0100017, OMIM 173200, MONDO:0008251.
Psoriasis 2. Identifiers: MedGen C1864497, MONDO:0011269, OMIM 602723.

gnomAD v4.1: 2 of 1,568,958 alleles (0.00013%); highest among the groups gnomAD compares: Non-Finnish European, 0.00017%; no homozygotes.

Submission:

Labcorp Genetics (formerly Invitae), Labcorp
Classification: Uncertain significance for Pityriasis rubra pilaris; Psoriasis 2. Last evaluated: 2022-10-10. Review status: criteria provided, single submitter. Criteria: Invitae Variant Classification Sherloc (09022015). Collection method: clinical testing. Allele origin: germline.
Comment: In summary, the available evidence is currently insufficient to determine the role of this variant in disease. Therefore, it has been classified as a Variant of Uncertain Significance. Algorithms developed to predict the effect of missense changes on protein structure and function (SIFT, PolyPhen-2, Align-GVGD) all suggest that this variant is likely to be tolerated. This variant has not been reported in the literature in individuals affected with CARD14-related conditions. This variant is not present in population databases (gnomAD no frequency). This sequence change replaces serine, which is neutral and polar, with phenylalanine, which is neutral and non-polar, at codon 880 of the CARD14 protein (p.Ser880Phe).

NM_001366385.1(CARD14):c.2639C>T (p.Ser880Phe)

Genes: CARD14 (caspase recruitment domain family member 14; plus strand), SGSH (N-sulfoglucosamine sulfohydrolase; minus strand), LOC126862662 (MED14-independent group 3 enhancer GRCh37_chr17:78178385-78179584; plus strand). Cytogenetic location: 17q25.3.
Variant type: single nucleotide variant.
Coding change: c.2639C>T on transcript NM_001366385.1 (MANE Select); coding-DNA position 2639, C replaced by T.
Protein change: p.Ser880Phe; replaces serine 880 with phenylalanine.
Molecular consequence: missense variant. On other transcripts: non-coding transcript variant (1).
Genome position (GRCh38, 1-based): chr17:80,205,600, C>T. VCF-style: chr17-80205600-C-T. GRCh37 (hg19) VCF-style: chr17-78179399-C-T.
Other names: c.2639C>T, p.Ser880Phe (NM_024110.4); short protein forms S880F.
Identifiers: ClinVar variation 1721061 (VCV001721061.6), dbSNP rs2510779483, ClinGen allele CA401356393.